The following is an entry in ClinVar:

ClinVar aggregate classification (germline): Uncertain significance (1 of 4 stars; one submission).

gnomAD v4.1: 1 of 1,613,824 alleles (0.000062%); highest among the groups gnomAD compares: Non-Finnish European, 0.000085%; no homozygotes.

Submission:

Labcorp Genetics (formerly Invitae), Labcorp
Classification: Uncertain significance. Last evaluated: 2024-12-10. Review status: criteria provided, single submitter. Criteria: Invitae Variant Classification Sherloc (09022015). Collection method: clinical testing. Allele origin: germline.
Comment: This sequence change replaces serine, which is neutral and polar, with cysteine, which is neutral and slightly polar, at codon 531 of the DNA2 protein (p.Ser531Cys). This variant is not present in population databases (gnomAD no frequency). This variant has not been reported in the literature in individuals affected with DNA2-related conditions. Invitae Evidence Modeling of protein sequence and biophysical properties (such as structural, functional, and spatial information, amino acid conservation, physicochemical variation, residue mobility, and thermodynamic stability) indicates that this missense variant is not expected to disrupt DNA2 protein function with a negative predictive value of 80%. In summary, the available evidence is currently insufficient to determine the role of this variant in disease. Therefore, it has been classified as a Variant of Uncertain Significance.

NM_001080449.3(DNA2):c.1592C>G (p.Ser531Cys)

Gene: DNA2 (DNA replication helicase/nuclease 2; minus strand). Cytogenetic location: 10q21.3.
Variant type: single nucleotide variant.
Coding change: c.1592C>G on transcript NM_001080449.3 (MANE Select); coding-DNA position 1592, C replaced by G.
Protein change: p.Ser531Cys; replaces serine 531 with cysteine.
Molecular consequence: missense variant. On other transcripts: non-coding transcript variant (1).
Genome position (GRCh38, 1-based): chr10:68,437,065, G>C on the plus strand (C>G on the coding strand, the complement: DNA2 is on the minus strand). VCF-style: chr10-68437065-G-C. GRCh37 (hg19) VCF-style: chr10-70196822-G-C.
Other names: short protein forms S531C.
Identifiers: ClinVar variation 3665169 (VCV003665169.2).
Genomic context (GRCh38, chr10:68,437,065, plus strand): 5'-CATTACCTGTCTAATAAACAAGTTACTGTTGTCATGTTAATCTCCTTCACATATCCTCTA[G>C]ACAAAGCAAACAGTGACCTTTCTTCTCCACTTACAATAACTCTGTCACCTGCCATTAGAT-3'
Protein context (NP_001073918.2, residues 521-541): SGEERSLFAL[Ser531Cys]RGYVKEINMT